The following is an entry in ClinVar:

ClinVar aggregate classification (germline): Uncertain significance. Review status: criteria provided, multiple submitters, no conflicts (2 of 4 stars). 2 submissions from 2 submitters: Uncertain significance (2). Last evaluated 2025-01-22.

Conditions:
Inborn genetic diseases. Identifiers: MedGen C0950123, MeSH D030342.

Submissions (2):

Ambry Genetics
Classification: Uncertain significance for Inborn genetic diseases. Last evaluated: 2025-01-22. Review status: criteria provided, single submitter. Criteria: Ambry Variant Classification Scheme 2023. Collection method: clinical testing. Allele origin: germline.

Dasa
Classification: Uncertain significance. Last evaluated: 2024-10-01. Review status: criteria provided, single submitter. Criteria: DASA Assertion Criteria. Collection method: clinical testing. Allele origin: germline.
Comment: NM_001854.4(COL11A1):c.2681G>C (p.Arg894Thr) is a missense variant that results in the substitution of arginine with threonine. This variant is absent from population databases. The currently available literature and clinical evidence are not sufficient to establish a definitive association between this variant and the reported condition. Therefore, this variant is classified as a variant of uncertain significance.

NM_001854.4(COL11A1):c.2681G>C (p.Arg894Thr)

Gene: COL11A1 (collagen type XI alpha 1 chain; minus strand). Cytogenetic location: 1p21.1.
Variant type: single nucleotide variant.
Coding change: c.2681G>C on transcript NM_001854.4 (MANE Select); coding-DNA position 2681, G replaced by C.
Protein change: p.Arg894Thr; replaces arginine 894 with threonine.
Molecular consequence: missense variant. On other transcripts: non-coding transcript variant (1).
Genome position (GRCh38, 1-based): chr1:102,978,888, C>G on the plus strand (G>C on the coding strand, the complement: COL11A1 is on the minus strand). VCF-style: chr1-102978888-C-G. GRCh37 (hg19) VCF-style: chr1-103444444-C-G.
Other names: c.2717G>C, p.Arg906Thr (NM_080629.3); c.2333G>C, p.Arg778Thr (NM_080630.4); c.2564G>C, p.Arg855Thr (NM_001190709.2); short protein forms R855T, R778T, R906T, R894T.
Identifiers: ClinVar variation 3834943 (VCV003834943.3).